The following is an entry in ClinVar:

NM_000051.4(ATM):c.6398_6401dup (p.Leu2135fs)

Genes: ATM (ATM serine/threonine kinase; plus strand), C11orf65 (chromosome 11 open reading frame 65; minus strand). Cytogenetic location: 11q22.3.
Variant type: Duplication.
Coding change: c.6398_6401dup on transcript NM_000051.4 (MANE Select); coding-DNA positions 6398 to 6401, 4 bases duplicated (AATC; older notation c.6398_6401dupAATC).
Protein change: p.Leu2135fs; shifts the reading frame from leucine 2135.
Molecular consequence: frameshift variant. On other transcripts: intron variant (2).
Genome position (GRCh38, 1-based): chr11:108,320,004-108,320,007, AATC duplicated; duplicating any 4 consecutive bases within chr11:108,320,003-108,320,007 gives the same sequence; the c. name uses the placement nearest the transcript's 3' end. VCF-style (leftmost placement, unchanged base first): chr11-108320002-A-ACAAT. GRCh37 (hg19) VCF-style: chr11-108190729-A-ACAAT.
Other names: c.6398_6401dup, p.Leu2135fs (NM_001351834.2); c.641-10935_641-10932dup (NM_001330368.2); c.*39-10935_*39-10932dup (NM_001351110.2); short protein forms L2135fs.
Identifiers: ClinVar variation 2121229 (VCV002121229.4), dbSNP rs2547146439, ClinGen allele CA2580083430.
Genomic context (GRCh38, chr11:108,320,002, plus strand): 5'-CTTATCTCACAGCAAAGAAGTAGAAGGAACCAGTTACCATGAATCATTGTACAATGCTCT[A>ACAAT]CAATCTCTAAGAGACAGAGAATTCTCTACATTTTATGAAAGTCTCAAATATGCCAGGTAT-3'

ClinVar aggregate classification (germline): Pathogenic (1 of 4 stars; one submission).

Conditions:
Ataxia-telangiectasia syndrome (AT). Also called: ATAXIA-TELANGIECTASIA, COMPLEMENTATION GROUP A; ATAXIA-TELANGIECTASIA, FRESNO VARIANT; Ataxia-telangiectasia; Ataxia-telangiectasia, complementation group E; LOUIS-BAR SYNDROME; Cerebello-oculocutaneous telangiectasia. Identifiers: Orphanet 100, MedGen C0004135, MONDO:0008840, OMIM 208900.

Submission:

Labcorp Genetics (formerly Invitae), Labcorp
Classification: Pathogenic for Ataxia-telangiectasia syndrome. Last evaluated: 2022-04-08. Review status: criteria provided, single submitter. Criteria: Invitae Variant Classification Sherloc (09022015). Collection method: clinical testing. Allele origin: germline.
Comment: For these reasons, this variant has been classified as Pathogenic. This variant has not been reported in the literature in individuals affected with ATM-related conditions. This variant is not present in population databases (gnomAD no frequency). This sequence change creates a premature translational stop signal (p.Leu2135Ilefs*12) in the ATM gene. It is expected to result in an absent or disrupted protein product. Loss-of-function variants in ATM are known to be pathogenic (PMID: 23807571, 25614872).

Literature cited by the submitters: PubMed 23807571; PubMed 25614872.